The following is an entry in ClinVar:

NM_001085487.3(MYSM1):c.2278C>T (p.Pro760Ser)

Gene: MYSM1 (Myb like, SWIRM and MPN domains 1; minus strand). Cytogenetic location: 1p32.1.
Variant type: single nucleotide variant.
Coding change: c.2278C>T on transcript NM_001085487.3 (MANE Select); coding-DNA position 2278, C replaced by T.
Protein change: p.Pro760Ser; replaces proline 760 with serine.
Molecular consequence: missense variant.
Genome position (GRCh38, 1-based): chr1:58,661,220, G>A on the plus strand (C>T on the coding strand, the complement: MYSM1 is on the minus strand). VCF-style: chr1-58661220-G-A. GRCh37 (hg19) VCF-style: chr1-59126892-G-A.
Other names: c.2278C>T (NM_001085487.2); short protein forms P760S.
Identifiers: ClinVar variation 1959262 (VCV001959262.6), dbSNP rs1434404977, ClinGen allele CA340518012.

ClinVar aggregate classification (germline): Uncertain significance (1 of 4 stars; one submission).

Conditions:
Congenital progressive bone marrow failure-B-cell immunodeficiency-skeletal dysplasia syndrome. Identifiers: Orphanet 508542, MedGen C5567897, MONDO:0033683.

Allele frequency attached by ClinVar (database versions not stated): gnomAD exomes below 0.00001; TOPMed below 0.00001; gnomAD 0.00001.
gnomAD v4.1: 5 of 1,612,580 alleles (0.00031%); highest among the groups gnomAD compares: Non-Finnish European, 0.00042%; no homozygotes.

Submission:

Labcorp Genetics (formerly Invitae), Labcorp
Classification: Uncertain significance. Last evaluated: 2022-04-22. Review status: criteria provided, single submitter. Criteria: Invitae Variant Classification Sherloc (09022015). Collection method: clinical testing. Allele origin: germline.
Comment: This variant is not present in population databases (gnomAD no frequency). In summary, the available evidence is currently insufficient to determine the role of this variant in disease. Therefore, it has been classified as a Variant of Uncertain Significance. Algorithms developed to predict the effect of missense changes on protein structure and function are either unavailable or do not agree on the potential impact of this missense change (SIFT: "Tolerated"; PolyPhen-2: "Possibly Damaging"; Align-GVGD: "Class C0"). This variant has not been reported in the literature in individuals affected with MYSM1-related conditions. This sequence change replaces proline, which is neutral and non-polar, with serine, which is neutral and polar, at codon 760 of the MYSM1 protein (p.Pro760Ser).